The following is an entry in ClinVar:

ClinVar aggregate classification (germline): Uncertain significance (1 of 4 stars; one submission).

Conditions:
SH2B1-related disorder. Also called: SH2B1-related condition.

Submission:

PreventionGenetics, part of Exact Sciences
Classification: Uncertain significance for SH2B1-related condition. Last evaluated: 2024-11-26. Review status: criteria provided, single submitter. Criteria: ACMG Guidelines, 2015. Collection method: clinical testing. Allele origin: germline.
Comment: The SH2B1 c.615G>C variant is not predicted to result in an amino acid change (p.=). To our knowledge, this variant has not been reported in the literature or in a large population database (gnomAD), indicating this variant is rare. This variant is predicted to enhance a nearby cryptic splice site according to an in silico splicing algorithm (SpliceAI, Jaganathan et al. 2019. PubMed ID: 30661751). However, the use of computer prediction programs is not equivalent to functional evidence. At this time, the clinical significance of this variant is uncertain due to the absence of conclusive functional and genetic evidence.

NM_001387430.1(SH2B1):c.615G>C (p.Gly205=)

Gene: SH2B1 (SH2B adaptor protein 1; plus strand). Cytogenetic location: 16p11.2.
Variant type: single nucleotide variant.
Coding change: c.615G>C on transcript NM_001387430.1 (MANE Select); coding-DNA position 615, G replaced by C.
Protein change: p.Gly205=; no amino-acid change (glycine 205 retained).
Molecular consequence: synonymous variant. On other transcripts: intron variant (1).
Genome position (GRCh38, 1-based): chr16:28,866,709, G>C. VCF-style: chr16-28866709-G-C. GRCh37 (hg19) VCF-style: chr16-28878030-G-C.
Other names: c.615G>C, p.Gly205= (NM_001145795.2, NM_001145796.2, NM_001145797.2 and 4 more transcripts); c.-26-665G>C (NM_001308294.2).
Identifiers: ClinVar variation 4990575 (VCV004990575.1).
Genomic context (GRCh38, chr16:28,866,709, plus strand): 5'-GGAGACCTCGTCAGGCCCCCCAGTCTTAGGTGGAAACAGCAACTCCAACTCCTCTGGCGG[G>C]GCTGGGACCGTTGGTAGGGGACTGGTCAGTGATGGAACGTCCCCTGGGGAAAGATGGACT-3'
Protein context (NP_001374359.1, residues 195-215): GGNSNSNSSG[Gly205=]AGTVGRGLVS